The following is an entry in ClinVar:

ClinVar aggregate classification (germline): Benign (1 of 4 stars; one submission).

Allele frequency attached by ClinVar (database versions not stated): 1000 Genomes Project 0.13738.
gnomAD v4.1: 25,989 of 152,006 alleles (17%); highest among the groups gnomAD compares: South Asian, 18%; 2,362 homozygotes.

Submission:

GeneDx
Classification: Benign. Last evaluated: 2018-06-15. Review status: criteria provided, single submitter. Criteria: GeneDx Variant Classification (06012015). Collection method: clinical testing. Allele origin: germline. Affected: yes.
Comment: This variant is considered likely benign or benign based on one or more of the following criteria: it is a conservative change, it occurs at a poorly conserved position in the protein, it is predicted to be benign by multiple in silico algorithms, and/or has population frequency not consistent with disease.

NM_001390.4(DTNA):c.*31+205G>C

Gene: DTNA (dystrobrevin alpha; plus strand). Cytogenetic location: 18q12.1.
Variant type: single nucleotide variant.
Coding change: c.*31+205G>C on transcript NM_001390.4; 205 bases into the intron after 31 bases downstream of the stop codon, G replaced by C.
Molecular consequence: intron variant (on NM_001386795.1).
Genome position (GRCh38, 1-based): chr18:34,884,981, G>C. VCF-style: chr18-34884981-G-C. GRCh37 (hg19) VCF-style: chr18-32464945-G-C.
Other names: c.*31+205G>C (NM_032975.4, NM_001386761.1, NM_001386762.1 and 23 more transcripts); c.2034+2780G>C (NM_001198938.2, NM_001386753.1); c.2263+205G>C (NM_001390.4).
Identifiers: ClinVar variation 672694 (VCV000672694.1), dbSNP rs565255, ClinGen allele CA14514077.